The following is an entry in ClinVar:

NM_001369.3(DNAH5):c.10399del (p.Gln3467fs)

Gene: DNAH5 (dynein axonemal heavy chain 5; minus strand). Cytogenetic location: 5p15.2.
Variant type: Deletion.
Coding change: c.10399del on transcript NM_001369.3 (MANE Select); coding-DNA position 10399, one base deleted (C; older notation c.10399delC).
Protein change: p.Gln3467fs; shifts the reading frame from glutamine 3467.
Molecular consequence: frameshift variant.
Genome position (GRCh38, 1-based): chr5:13,758,866, G deleted on the plus strand (C on the coding strand, the reverse complement: DNAH5 is on the minus strand). VCF-style (leftmost placement, unchanged base first): chr5-13758865-TG-T. GRCh37 (hg19) VCF-style: chr5-13758974-TG-T.
Other names: short protein forms Q3467fs.
Identifiers: ClinVar variation 4066823 (VCV004066823.3).
Genomic context (GRCh38, chr5:13,758,865, plus strand): 5'-GTAGATATGTGACAGTCCCTGCCATGACAAAGGGCAGTTACCTGCTTTTCAGTCATGGCC[TG>T]TTCATACTCAGCCTGCACCACGTCAAGTTCCGCCTGCTTGTCATCCAACTCGGCCTGGGC-3'

ClinVar aggregate classification (germline): Pathogenic/Likely pathogenic. Review status: criteria provided, multiple submitters, no conflicts (2 of 4 stars). 2 submissions from 2 submitters: Pathogenic (1); Likely pathogenic (1). Last evaluated 2025-04-19.

Conditions:
Primary ciliary dyskinesia. Also called: Ciliary dyskinesia. Identifiers: Orphanet 244, MedGen C0008780, MONDO:0016575, HP:0012265.

Submissions (2):

Labcorp Genetics (formerly Invitae), Labcorp
Classification: Pathogenic for Primary ciliary dyskinesia. Last evaluated: 2025-04-19. Review status: criteria provided, single submitter. Criteria: Invitae Variant Classification Sherloc (09022015). Collection method: clinical testing. Allele origin: germline.
Comment: This sequence change creates a premature translational stop signal (p.Gln3467Argfs*3) in the DNAH5 gene. It is expected to result in an absent or disrupted protein product. Loss-of-function variants in DNAH5 are known to be pathogenic (PMID: 11788826, 16627867). This variant is not present in population databases (gnomAD no frequency). This variant has not been reported in the literature in individuals affected with DNAH5-related conditions. For these reasons, this variant has been classified as Pathogenic.

Natera, Inc.
Classification: Likely pathogenic for Primary ciliary dyskinesia. Last evaluated: 2025-01-27. Review status: criteria provided, single submitter. Criteria: Natera Variant Classification Schema (03/2026). Collection method: clinical testing. Allele origin: germline.
Comment: The c.10399del variant in DNAH5 is a frameshift variant predicted to shift the reading frame beginning at codon 3467 and leads to a stop codon 3 codons downstream. This variant is expected to result in nonsense mediated decay, truncation, or a dysfunctional protein product. This variant is rare in the general population with a frequency below the threshold expected for the associated phenotype(s). Given the available evidence, this variant is classified as Likely Pathogenic.

Literature cited by the submitters: PubMed 11788826 (cited by Labcorp Genetics (formerly Invitae), Labcorp); PubMed 16627867 (cited by Labcorp Genetics (formerly Invitae), Labcorp).